The following is an entry in ClinVar:

NM_006904.7(PRKDC):c.2876A>G (p.Tyr959Cys)

Gene: PRKDC (protein kinase, DNA-activated, catalytic subunit; minus strand). Cytogenetic location: 8q11.21.
Variant type: single nucleotide variant.
Coding change: c.2876A>G on transcript NM_006904.7 (MANE Select); coding-DNA position 2876, A replaced by G.
Protein change: p.Tyr959Cys; replaces tyrosine 959 with cysteine.
Molecular consequence: missense variant.
Genome position (GRCh38, 1-based): chr8:47,912,468, T>C on the plus strand (A>G on the coding strand, the complement: PRKDC is on the minus strand). VCF-style: chr8-47912468-T-C. GRCh37 (hg19) VCF-style: chr8-48825028-T-C.
Other names: c.2876A>G, p.Tyr959Cys (NM_001081640.2); short protein forms Y959C.
Identifiers: ClinVar variation 2084603 (VCV002084603.3), dbSNP rs746148632, ClinGen allele CA4741345.

ClinVar aggregate classification (germline): Uncertain significance. Review status: criteria provided, multiple submitters, no conflicts (2 of 4 stars). 2 submissions from 2 submitters: Uncertain significance (2). Last evaluated 2024-11-05.

Conditions:
Severe combined immunodeficiency due to DNA-PKcs deficiency. Also called: Immunodeficiency 26 with or without neurologic abnormalities; IMMUNODEFICIENCY 26 WITH NEUROLOGIC ABNORMALITIES. Identifiers: Orphanet 317425, MedGen C4014833, MONDO:0014423, OMIM 615966.

Allele frequency attached by ClinVar (database versions not stated): TOPMed below 0.00001; gnomAD 0.00001; gnomAD exomes 0.00001; ExAC 0.00002.
gnomAD v4.1: 17 of 1,612,528 alleles (0.0011%); highest among the groups gnomAD compares: Middle Eastern, 0.049%; no homozygotes.

Submissions (2):

Labcorp Genetics (formerly Invitae), Labcorp
Classification: Uncertain significance for Severe combined immunodeficiency due to DNA-PKcs deficiency. Last evaluated: 2024-11-05. Review status: criteria provided, single submitter. Criteria: Invitae Variant Classification Sherloc (09022015). Collection method: clinical testing. Allele origin: germline.
Comment: This sequence change replaces tyrosine, which is neutral and polar, with cysteine, which is neutral and slightly polar, at codon 959 of the PRKDC protein (p.Tyr959Cys). This variant is present in population databases (rs746148632, gnomAD 0.0009%). This variant has not been reported in the literature in individuals affected with PRKDC-related conditions. ClinVar contains an entry for this variant (Variation ID: 2084603). Invitae Evidence Modeling of protein sequence and biophysical properties (such as structural, functional, and spatial information, amino acid conservation, physicochemical variation, residue mobility, and thermodynamic stability) indicates that this missense variant is expected to disrupt PRKDC protein function with a positive predictive value of 80%. In summary, the available evidence is currently insufficient to determine the role of this variant in disease. Therefore, it has been classified as a Variant of Uncertain Significance.

Blueprint Genetics
Classification: Uncertain significance. Last evaluated: 2024-09-02. Review status: criteria provided, single submitter. Criteria: ACMG Guidelines, 2015. Collection method: clinical testing. Allele origin: germline.